The following is an entry in ClinVar:

NM_000492.4(CFTR):c.3008G>A (p.Gly1003Glu)

Genes: CFTR (CF transmembrane conductance regulator; plus strand), CFTR-AS2 (CFTR antisense RNA 2; minus strand), LOC111674472 (DNase I hypersensitive sites in introns 16 and 17a of CFTR; plus strand). Cytogenetic location: 7q31.2.
Variant type: single nucleotide variant.
Coding change: c.3008G>A on transcript NM_000492.4 (MANE Select); coding-DNA position 3008, G replaced by A.
Protein change: p.Gly1003Glu; replaces glycine 1003 with glutamic acid.
Molecular consequence: missense variant.
Genome position (GRCh38, 1-based): chr7:117,610,538, G>A. VCF-style: chr7-117610538-G-A. GRCh37 (hg19) VCF-style: chr7-117250592-G-A.
Other names: short protein forms G1003E.
Identifiers: ClinVar variation 53625 (VCV000053625.2), dbSNP rs55803548, ClinGen allele CA327010.

ClinVar aggregate classification (germline): Uncertain significance. Review status: criteria provided, single submitter (1 of 4 stars). 2 submissions from 2 submitters: Uncertain significance (1). 1 of the submissions does not count toward it. Last evaluated 2022-09-05.

Conditions:
Cystic fibrosis (CF). Also called: MUCOVISCIDOSIS. Identifiers: Orphanet 586, MedGen C0010674, MONDO:0009061, OMIM 219700. Disease mechanism: loss of function.

Allele frequency attached by ClinVar (database versions not stated): gnomAD exomes below 0.00001.
gnomAD v4.1: 1 of 1,613,178 alleles (0.000062%); highest among the groups gnomAD compares: Non-Finnish European, 0.000085%; no homozygotes.

Submissions (2):

Institute of Human Genetics, University of Leipzig Medical Center
Classification: Uncertain significance for Cystic fibrosis. Last evaluated: 2022-09-05. Review status: criteria provided, single submitter. Criteria: ACMG Guidelines, 2015. Collection method: curation. Allele origin: unknown. Affected: yes. Observed: 4 variant alleles.
Comment: This variant was identified in 4 unrelated patients with a clinically confirmed diagnosis of cystic fibrosis. The variant was classified in the context of a project re-classifying variants in the German Cystic Fibrosis Registry (Muko.e.V.). Criteria applied: PM3, PM2_SUP, PP3, PP4

ClinVar Staff, National Center for Biotechnology Information (NCBI)
No classification provided. Condition: CFTR-related disorders. Review status: no classification provided. Collection method: literature only. Allele origin: germline. Affected: yes. Not counted in ClinVar's aggregate classification.

Literature cited by the submitters: PubMed 20059485 (cited by ClinVar Staff, National Center for Biotechnology Information (NCBI)).